The following is an entry in ClinVar:

ClinVar aggregate classification (germline): Uncertain significance (1 of 4 stars; one submission).

Conditions:
Marfan syndrome (MFS). Also called: Marfan syndrome type 1; Marfan's syndrome; FBN1-Related Marfan Syndrome; MARFAN SYNDROME, TYPE I; Marfan syndrome, classic. Identifiers: Orphanet 284963, Orphanet 558, MedGen C0024796, MONDO:0007947, OMIM 154700.
Familial thoracic aortic aneurysm and aortic dissection (TAAD). Also called: Thoracic aortic aneurysms and dissections. Identifiers: Orphanet 91387, MedGen C4707243, MONDO:0019625.

Allele frequency attached by ClinVar (database versions not stated): gnomAD exomes 0.00001.
gnomAD v4.1: 4 of 1,614,026 alleles (0.00025%); highest among the groups gnomAD compares: Admixed American, 0.0017%; no homozygotes.

Submission:

Labcorp Genetics (formerly Invitae), Labcorp
Classification: Uncertain significance for Marfan syndrome; Familial thoracic aortic aneurysm and aortic dissection. Last evaluated: 2021-03-10. Review status: criteria provided, single submitter. Criteria: Invitae Variant Classification Sherloc (09022015). Collection method: clinical testing. Allele origin: germline.
Comment: This sequence change affects codon 1507 of the FBN1 mRNA. It is a 'silent' change, meaning that it does not change the encoded amino acid sequence of the FBN1 protein. This variant is not present in population databases (ExAC no frequency). This variant has not been reported in the literature in individuals with FBN1-related conditions. Algorithms developed to predict the effect of sequence changes on RNA splicing suggest that this variant may create or strengthen a splice site, but this prediction has not been confirmed by published transcriptional studies. In summary, the available evidence is currently insufficient to determine the role of this variant in disease. Therefore, it has been classified as a Variant of Uncertain Significance.

NM_000138.5(FBN1):c.4521C>T (p.Gly1507=)

Gene: FBN1 (fibrillin 1; minus strand). Cytogenetic location: 15q21.1.
Variant type: single nucleotide variant.
Coding change: c.4521C>T on transcript NM_000138.5 (MANE Select); coding-DNA position 4521, C replaced by T.
Protein change: p.Gly1507=; no amino-acid change (glycine 1507 retained).
Molecular consequence: synonymous variant.
Genome position (GRCh38, 1-based): chr15:48,468,473, G>A on the plus strand (C>T on the coding strand, the complement: FBN1 is on the minus strand). VCF-style: chr15-48468473-G-A. GRCh37 (hg19) VCF-style: chr15-48760670-G-A.
Identifiers: ClinVar variation 1349102 (VCV001349102.8), dbSNP rs1425634624, ClinGen allele CA490027472.